The following is an entry in ClinVar:

ClinVar aggregate classification (germline): Likely benign. Review status: criteria provided, multiple submitters, no conflicts (2 of 4 stars). 5 submissions from 5 submitters: Likely benign (4). 1 of the submissions does not count toward it. Last evaluated 2025-11-13.

Conditions:
KIAA0586-related disorder. Also called: KIAA0586-related condition; KIAA0586- Related disorders.
Short-rib thoracic dysplasia 14 with polydactyly (SRTD14). Identifiers: Orphanet 397715, MedGen C4225286, MONDO:0014688, OMIM 616546.
Joubert syndrome 23 (JBTS23). Identifiers: Orphanet 475, MedGen C4084822, MONDO:0014664, OMIM 616490.

Allele frequency attached by ClinVar (database versions not stated): gnomAD exomes 0.00003 and 0.00005; ExAC 0.00005; 1000 Genomes Project 30x 0.00016; ESP Exome Variant Server 0.00016; TOPMed 0.00018; 1000 Genomes Project 0.00020; gnomAD 0.00021 and 0.00022.
gnomAD v4.1: 72 of 1,613,134 alleles (0.0045%); highest among the groups gnomAD compares: African/African-American, 0.068%; no homozygotes.

Submissions (5):

Labcorp Genetics (formerly Invitae), Labcorp
Classification: Likely benign for Joubert syndrome 23; Short-rib thoracic dysplasia 14 with polydactyly. Last evaluated: 2025-11-13. Review status: criteria provided, single submitter. Criteria: Invitae Variant Classification Sherloc (09022015). Collection method: clinical testing. Allele origin: germline.

Blueprint Genetics
Classification: Likely benign. Last evaluated: 2022-04-25. Review status: criteria provided, single submitter. Criteria: ACMG Guidelines, 2015. Collection method: clinical testing. Allele origin: germline.

GeneDx
Classification: Likely benign. Last evaluated: 2021-03-30. Review status: criteria provided, single submitter. Criteria: GeneDx Variant Classification Process June 2021. Collection method: clinical testing. Allele origin: germline. Affected: yes.

Breakthrough Genomics
Classification: Likely benign. Review status: criteria provided, single submitter. Criteria: ACMG Guidelines, 2015. Collection method: not provided. Allele origin: germline. Inheritance: Autosomal recessive inheritance. Affected: yes.

PreventionGenetics, part of Exact Sciences
Classification: Likely benign for KIAA0586-related condition. Last evaluated: 2019-08-26. Review status: no assertion criteria provided. Collection method: clinical testing. Allele origin: germline. Not counted in ClinVar's aggregate classification.
Comment: This variant is classified as likely benign based on ACMG/AMP sequence variant interpretation guidelines (Richards et al. 2015 PMID: 25741868, with internal and published modifications).

NM_001329943.3(KIAA0586):c.*2C>T

Gene: KIAA0586 (KIAA0586; plus strand). Cytogenetic location: 14q23.1.
Variant type: single nucleotide variant.
Coding change: c.*2C>T on transcript NM_001329943.3 (MANE Select); 2 bases downstream of the stop codon, C replaced by T.
Molecular consequence: 3 prime UTR variant. On other transcripts: synonymous variant (2).
Genome position (GRCh38, 1-based): chr14:58,547,934, C>T. VCF-style: chr14-58547934-C-T. GRCh37 (hg19) VCF-style: chr14-59014652-C-T.
Other names: c.4893C>T, p.Asn1631= (NM_001244189.2); c.*2C>T (NM_001244190.2, NM_001244191.2, NM_001244192.2 and 5 more transcripts); c.4734C>T, p.Asn1578= (NM_001329944.2).
Identifiers: ClinVar variation 1314223 (VCV001314223.13), dbSNP rs376691503, ClinGen allele CA7206465.
Genomic context (GRCh38, chr14:58,547,934, plus strand): 5'-CTCTGAGTCTCAGCACAATGCAGGAGGACATGGAGTCTTCGGGGGCAGATACCTTCTGAA[C>T]GGGAAGAGACAGCCAGCACAGTGTTTATGCCACTGGTTTTAAAGTCATTTTACCTTGGCT-3'